The following is an entry in ClinVar:

NM_015412.4(RMP64):c.408G>T (p.Leu136Phe)

Gene: RMP64 (ribonuclease MRP subunit p64; minus strand). Cytogenetic location: 3q13.2.
Variant type: single nucleotide variant.
Coding change: c.408G>T on transcript NM_015412.4 (MANE Select); coding-DNA position 408, G replaced by T.
Protein change: p.Leu136Phe; replaces leucine 136 with phenylalanine.
Molecular consequence: missense variant. On other transcripts: 5 prime UTR variant (1), intron variant (2).
Genome position (GRCh38, 1-based): chr3:113,013,337, C>A on the plus strand (G>T on the coding strand, the complement: RMP64 is on the minus strand). VCF-style: chr3-113013337-C-A. GRCh37 (hg19) VCF-style: chr3-112732184-C-A.
Other names: c.40G>T, p.Asp14Tyr (NM_001319111.2); c.75G>T, p.Leu25Phe (NM_001319112.2); c.-1G>T (NM_001319114.2); c.117G>T, p.Leu39Phe (NM_001319115.2); c.50+616G>T (NM_001319110.2); c.341+616G>T (NM_001319109.2); short protein forms D14Y, L136F, L25F, L39F.
Identifiers: ClinVar variation 4890792 (VCV004890792.1).

ClinVar aggregate classification (germline): VUS-high (1 of 4 stars; one submission).

Conditions:
Anauxetic dysplasia 3. Identifiers: MedGen C5394289, MONDO:0030019, OMIM 618853.

Submission:

Pediatrics, West China Second University Hospital, Sichuan University
Classification: VUS-high for Anauxetic dysplasia 3. Review status: criteria provided, single submitter. Criteria: ACMG Guidelines, 2015. Collection method: clinical testing. Allele origin: maternal. Affected: yes.
Comment: The c.408G>T variant in NEPRO is absent from the gnomAD population database (PM2_Supporting). Multiple in silico prediction tools suggest this variant is likely deleterious (PP3). It is detected in trans with a likely pathogenic variant in a gene associated with autosomal recessive disease (PM3). Collectively, these evidence support a variant of uncertain significance (VUS).

Literature cited by the submitters: PubMed 41982866; PubMed 39706863; PubMed 37294112; PubMed 31250547.